The following is an entry in ClinVar:

ClinVar aggregate classification (germline): Benign (1 of 4 stars; one submission).

Conditions:
Growth delay due to insulin-like growth factor I resistance. Also called: Somatomedin end-organ insensitivity to; Somatomedin-c resistance to; IGF-1 resistance; IGF-I RESISTANCE; Insulin-Like Growth Factor I Resistance. Identifiers: Orphanet 73273, MedGen C1849157, MONDO:0010038, OMIM 270450.

Allele frequency attached by ClinVar (database versions not stated): gnomAD exomes 0.00252; 1000 Genomes Project 0.01058; 1000 Genomes Project 30x 0.01109; gnomAD 0.01259 and 0.01357; TOPMed 0.01393.
gnomAD v4.1: 2,106 of 233,166 alleles (0.9%); highest among the groups gnomAD compares: African/African-American, 4.3%; 49 homozygotes.

Submission:

Illumina Laboratory Services, Illumina
Classification: Benign for Growth delay due to insulin-like growth factor I resistance. Last evaluated: 2018-01-13. Review status: criteria provided, single submitter. Criteria: ICSL Variant Classification Criteria 13 December 2019. Collection method: clinical testing. Allele origin: germline.
Comment: This variant was observed in the ICSL laboratory as part of a predisposition screen in an ostensibly healthy population. It had not been previously curated by ICSL or reported in the Human Gene Mutation Database (HGMD: prior to June 1st, 2018), and was therefore a candidate for classification through an automated scoring system. Utilizing variant allele frequency, disease prevalence and penetrance estimates, and inheritance mode, an automated score was calculated to assess if this variant is too frequent to cause the disease. Based on the score and internal cut-off values, a variant classified as benign is not then subjected to further curation. The score for this variant resulted in a classification of benign for this disease.

NM_000875.5(IGF1R):c.*6092G>A

Gene: IGF1R (insulin like growth factor 1 receptor; plus strand). Cytogenetic location: 15q26.3.
Variant type: single nucleotide variant.
Coding change: c.*6092G>A on transcript NM_000875.5 (MANE Select); 6092 bases downstream of the stop codon, G replaced by A.
Molecular consequence: 3 prime UTR variant.
Genome position (GRCh38, 1-based): chr15:98,963,534, G>A. VCF-style: chr15-98963534-G-A. GRCh37 (hg19) VCF-style: chr15-99506763-G-A.
Other names: c.*6092G>A (NM_001291858.2).
Identifiers: ClinVar variation 317630 (VCV000317630.5), dbSNP rs74534003, ClinGen allele CA10636849.